The following is an entry in ClinVar:

NM_000062.3(SERPING1):c.277G>A (p.Glu93Lys)

Gene: SERPING1 (serpin family G member 1; plus strand). Cytogenetic location: 11q12.1.
Variant type: single nucleotide variant.
Coding change: c.277G>A on transcript NM_000062.3 (MANE Select); coding-DNA position 277, G replaced by A.
Protein change: p.Glu93Lys; replaces glutamic acid 93 with lysine.
Molecular consequence: missense variant.
Genome position (GRCh38, 1-based): chr11:57,600,104, G>A. VCF-style: chr11-57600104-G-A. GRCh37 (hg19) VCF-style: chr11-57367577-G-A.
Other names: c.277G>A, p.Glu93Lys (NM_001032295.2); short protein forms E93K.
Identifiers: ClinVar variation 4707216 (VCV004707216.1).

ClinVar aggregate classification (germline): Uncertain significance (1 of 4 stars; one submission).

Submission:

Labcorp Genetics (formerly Invitae), Labcorp
Classification: Uncertain significance. Last evaluated: 2025-03-30. Review status: criteria provided, single submitter. Criteria: Invitae Variant Classification Sherloc (09022015). Collection method: clinical testing. Allele origin: germline.
Comment: This sequence change replaces glutamic acid, which is acidic and polar, with lysine, which is basic and polar, at codon 93 of the SERPING1 protein (p.Glu93Lys). This variant is not present in population databases (gnomAD no frequency). This variant has not been reported in the literature in individuals affected with SERPING1-related conditions. Invitae Evidence Modeling of protein sequence and biophysical properties (such as structural, functional, and spatial information, amino acid conservation, physicochemical variation, residue mobility, and thermodynamic stability) indicates that this missense variant is not expected to disrupt SERPING1 protein function with a negative predictive value of 80%. In summary, the available evidence is currently insufficient to determine the role of this variant in disease. Therefore, it has been classified as a Variant of Uncertain Significance.